The following is an entry in ClinVar:

NM_001943.5(DSG2):c.1793G>C (p.Gly598Ala)

Gene: DSG2 (desmoglein 2; plus strand). Cytogenetic location: 18q12.1.
Variant type: single nucleotide variant.
Coding change: c.1793G>C on transcript NM_001943.5 (MANE Select); coding-DNA position 1793, G replaced by C.
Protein change: p.Gly598Ala; replaces glycine 598 with alanine.
Molecular consequence: missense variant.
Genome position (GRCh38, 1-based): chr18:31,538,892, G>C. VCF-style: chr18-31538892-G-C. GRCh37 (hg19) VCF-style: chr18-29118855-G-C.
Other names: c.1793G>C (LRG_397t1); short protein forms G598A.
Identifiers: ClinVar variation 642488 (VCV000642488.8), dbSNP rs1598821488, ClinGen allele CA402137765.

ClinVar aggregate classification (germline): Uncertain significance (1 of 4 stars; one submission).

Conditions:
Arrhythmogenic right ventricular dysplasia 10. Also called: ARRHYTHMOGENIC RIGHT VENTRICULAR DYSPLASIA, FAMILIAL, 10; Arrhythmogenic Right Ventricular Dysplasia/Cardiomyopathy10; Arrhythmogenic right ventricular dysplasia/cardiomyopathy, type 10. Identifiers: MedGen C1857777, MONDO:0012434, OMIM 610193.

Submission:

Labcorp Genetics (formerly Invitae), Labcorp
Classification: Uncertain significance for Arrhythmogenic right ventricular dysplasia 10. Last evaluated: 2018-11-26. Review status: criteria provided, single submitter. Criteria: Invitae Variant Classification Sherloc (09022015). Collection method: clinical testing. Allele origin: germline.
Comment: This variant has not been reported in the literature in individuals with DSG2-related conditions. In summary, the available evidence is currently insufficient to determine the role of this variant in disease. Therefore, it has been classified as a Variant of Uncertain Significance. Algorithms developed to predict the effect of missense changes on protein structure and function are either unavailable or do not agree on the potential impact of this missense change (SIFT: "Tolerated"; PolyPhen-2: "Possibly Damaging"; Align-GVGD: "Class C0"). This variant is not present in population databases (ExAC no frequency). This sequence change replaces glycine with alanine at codon 598 of the DSG2 protein (p.Gly598Ala). The glycine residue is highly conserved and there is a small physicochemical difference between glycine and alanine.